The following is an entry in ClinVar:

NM_003601.4(SMARCA5):c.2124G>C (p.Glu708Asp)

Gene: SMARCA5 (SNF2 related chromatin remodeling ATPase 5; plus strand). Cytogenetic location: 4q31.21.
Variant type: single nucleotide variant.
Coding change: c.2124G>C on transcript NM_003601.4 (MANE Select); coding-DNA position 2124, G replaced by C.
Protein change: p.Glu708Asp; replaces glutamic acid 708 with aspartic acid.
Molecular consequence: missense variant.
Genome position (GRCh38, 1-based): chr4:143,543,924, G>C. VCF-style: chr4-143543924-G-C. GRCh37 (hg19) VCF-style: chr4-144465077-G-C.
Other names: short protein forms E708D.
Identifiers: ClinVar variation 3390806 (VCV003390806.2).

ClinVar aggregate classification (germline): Uncertain significance (1 of 4 stars; one submission).

Submission:

GeneDx
Classification: Uncertain significance. Last evaluated: 2025-08-25. Review status: criteria provided, single submitter. Criteria: GeneDx Variant Classification Process June 2021. Collection method: clinical testing. Allele origin: germline.
Comment: Not observed at significant frequency in large population cohorts (gnomAD); In silico analysis indicates that this missense variant does not alter protein structure/function; Has not been previously published as pathogenic or benign to our knowledge